The following is an entry in ClinVar:

ClinVar aggregate classification (germline): Uncertain significance (1 of 4 stars; one submission).

Conditions:
Epilepsy, familial focal, with variable foci 3 (FFEVF3). Identifiers: MedGen C4310708, MONDO:0014925, OMIM 617118.

Allele frequency attached by ClinVar (database versions not stated): gnomAD exomes below 0.00001.
gnomAD v4.1: 2 of 1,554,550 alleles (0.00013%); highest among the groups gnomAD compares: South Asian, 0.0012%; no homozygotes.

Submission:

Labcorp Genetics (formerly Invitae), Labcorp
Classification: Uncertain significance for Epilepsy, familial focal, with variable foci 3. Last evaluated: 2024-03-11. Review status: criteria provided, single submitter. Criteria: Invitae Variant Classification Sherloc (09022015). Collection method: clinical testing. Allele origin: germline.
Comment: This sequence change replaces histidine, which is basic and polar, with arginine, which is basic and polar, at codon 54 of the NPRL3 protein (p.His54Arg). This variant is not present in population databases (gnomAD no frequency). This variant has not been reported in the literature in individuals affected with NPRL3-related conditions. ClinVar contains an entry for this variant (Variation ID: 1461232). Advanced modeling of protein sequence and biophysical properties (such as structural, functional, and spatial information, amino acid conservation, physicochemical variation, residue mobility, and thermodynamic stability) performed at Invitae indicates that this missense variant is not expected to disrupt NPRL3 protein function with a negative predictive value of 80%. In summary, the available evidence is currently insufficient to determine the role of this variant in disease. Therefore, it has been classified as a Variant of Uncertain Significance.

NM_001077350.3(NPRL3):c.161A>G (p.His54Arg)

Genes: HBA-LCR (alpha-globin locus control region; plus strand), NPRL3 (NPR3 like, GATOR1 complex subunit; minus strand). Cytogenetic location: 16p13.3.
Variant type: single nucleotide variant.
Coding change: c.161A>G on transcript NM_001077350.3 (MANE Select); coding-DNA position 161, A replaced by G.
Protein change: p.His54Arg; replaces histidine 54 with arginine.
Molecular consequence: missense variant. On other transcripts: 5 prime UTR variant (2).
Genome position (GRCh38, 1-based): chr16:130,549, T>C on the plus strand (A>G on the coding strand, the complement: NPRL3 is on the minus strand). VCF-style: chr16-130549-T-C. GRCh37 (hg19) VCF-style: chr16-180548-T-C.
Other names: c.-172A>G (NM_001039476.3); c.-211A>G (NM_001243247.2); c.161A>G, p.His54Arg (NM_001243248.2, NM_001243249.2); short protein forms H54R.
Identifiers: ClinVar variation 1461232 (VCV001461232.6), dbSNP rs1900741473, ClinGen allele CA393997782.